The following is an entry in ClinVar:

ClinVar aggregate classification (germline): Uncertain significance (1 of 4 stars; one submission).

Submission:

Ambry Genetics
Classification: Uncertain significance. Last evaluated: 2021-06-23. Review status: criteria provided, single submitter. Criteria: Ambry Variant Classification Scheme 2023. Collection method: clinical testing. Allele origin: germline.
Comment: The p.K332N variant (also known as c.996A>T), located in coding exon 2 of the EGLN1 gene, results from an A to T substitution at nucleotide position 996. The lysine at codon 332 is replaced by asparagine, an amino acid with similar properties. This amino acid position is conserved. In addition, this alteration is predicted to be tolerated by in silico analysis. Since supporting evidence is limited at this time, the clinical significance of this alteration remains unclear.

NM_022051.3(EGLN1):c.996A>T (p.Lys332Asn)

Gene: EGLN1 (egl-9 family hypoxia inducible factor 1; minus strand). Cytogenetic location: 1q42.2.
Variant type: single nucleotide variant.
Coding change: c.996A>T on transcript NM_022051.3 (MANE Select); coding-DNA position 996, A replaced by T.
Protein change: p.Lys332Asn; replaces lysine 332 with asparagine.
Molecular consequence: missense variant.
Genome position (GRCh38, 1-based): chr1:231,373,995, T>A on the plus strand (A>T on the coding strand, the complement: EGLN1 is on the minus strand). VCF-style: chr1-231373995-T-A. GRCh37 (hg19) VCF-style: chr1-231509741-T-A.
Other names: c.996A>T, p.Lys332Asn (NM_001377260.1, NM_001377261.1); short protein forms K332N.
Identifiers: ClinVar variation 1768754 (VCV001768754.2), dbSNP rs2527236851, ClinGen allele CA345241280.